The following is an entry in ClinVar:

NM_001048174.2(MUTYH):c.1255T>A (p.Ser419Thr)

Gene: MUTYH (mutY DNA glycosylase; minus strand). Cytogenetic location: 1p34.1.
Variant type: single nucleotide variant.
Coding change: c.1255T>A on transcript NM_001048174.2 (MANE Select); coding-DNA position 1255, T replaced by A.
Protein change: p.Ser419Thr; replaces serine 419 with threonine.
Molecular consequence: missense variant. On other transcripts: non-coding transcript variant (7).
Genome position (GRCh38, 1-based): chr1:45,331,319, A>T on the plus strand (T>A on the coding strand, the complement: MUTYH is on the minus strand). VCF-style: chr1-45331319-A-T. GRCh37 (hg19) VCF-style: chr1-45796991-A-T.
Other names: c.1255T>A, p.Ser419Thr (NM_001407088.1, NM_001407089.1, NM_001407081.1 and 6 more transcripts); c.979T>A, p.Ser327Thr (NM_001407091.1, NM_001293192.2, NM_001293196.2); c.1330T>A, p.Ser444Thr (NM_012222.3); c.1258T>A, p.Ser420Thr (NM_001407078.1, NM_001048172.2, NM_001407086.1 and 1 more transcripts); c.1216T>A, p.Ser406Thr (NM_001407079.1); c.1213T>A, p.Ser405Thr (NM_001407080.1); c.910T>A, p.Ser304Thr (NM_001407082.1, NM_001350650.2, NM_001350651.2); c.1297T>A, p.Ser433Thr (NM_001407083.1, NM_001407085.1); and 5 more; short protein forms S391T, S426T, S434T, S327T, S419T, S444T, S405T, S420T.
Identifiers: ClinVar variation 4113186 (VCV004113186.1).

ClinVar aggregate classification (germline): Uncertain significance (1 of 4 stars; one submission).

Conditions:
Hereditary cancer-predisposing syndrome. Also called: Tumor predisposition; Neoplastic Syndromes, Hereditary; Hereditary neoplastic syndrome; Hereditary Cancer Syndrome. Identifiers: Orphanet 140162, MedGen C0027672, MeSH D009386, MONDO:0015356.

Submission:

Ambry Genetics
Classification: Uncertain significance for Hereditary cancer-predisposing syndrome. Last evaluated: 2025-08-27. Review status: criteria provided, single submitter. Criteria: Ambry Variant Classification Scheme 2023. Collection method: clinical testing. Allele origin: germline.
Comment: The p.S447T variant (also known as c.1339T>A), located in coding exon 14 of the MUTYH gene, results from a T to A substitution at nucleotide position 1339. The serine at codon 447 is replaced by threonine, an amino acid with similar properties. This amino acid position is conserved. In addition, this alteration is predicted to be deleterious by in silico analysis. Based on the available evidence, the clinical significance of this variant remains unclear.